The following is an entry in ClinVar:

NM_016038.4(SBDS):c.516G>A (p.Met172Ile)

Gene: SBDS (SBDS ribosome maturation factor; minus strand). Cytogenetic location: 7q11.21.
Variant type: single nucleotide variant.
Coding change: c.516G>A on transcript NM_016038.4 (MANE Select); coding-DNA position 516, G replaced by A.
Protein change: p.Met172Ile; replaces methionine 172 with isoleucine.
Molecular consequence: missense variant.
Genome position (GRCh38, 1-based): chr7:66,991,245, C>T on the plus strand (G>A on the coding strand, the complement: SBDS is on the minus strand). VCF-style: chr7-66991245-C-T. GRCh37 (hg19) VCF-style: chr7-66456232-C-T.
Other names: short protein forms M172I.
Identifiers: ClinVar variation 4630223 (VCV004630223.1).

ClinVar aggregate classification (germline): Uncertain significance (1 of 4 stars; one submission).

Conditions:
Inborn genetic diseases. Identifiers: MedGen C0950123, MeSH D030342.

Submission:

Ambry Genetics
Classification: Uncertain significance for Inborn genetic diseases. Last evaluated: 2025-10-07. Review status: criteria provided, single submitter. Criteria: Ambry Variant Classification Scheme 2023. Collection method: clinical testing. Allele origin: germline.
Comment: The p.M172I variant (also known as c.516G>A), located in coding exon 4 of the SBDS gene, results from a G to A substitution at nucleotide position 516. The methionine at codon 172 is replaced by isoleucine, an amino acid with highly similar properties. This amino acid position is conserved. In addition, this alteration is predicted to be deleterious by in silico analysis. Based on the available evidence, the clinical significance of this variant remains unclear.